The following is an entry in ClinVar:

ClinVar aggregate classification (germline): Uncertain significance. Review status: criteria provided, multiple submitters, no conflicts (2 of 4 stars). 4 submissions from 4 submitters: Uncertain significance (4). Last evaluated 2025-11-22.

Conditions:
LRP5-related disorder. Also called: LRP5-related condition.
Inborn genetic diseases. Identifiers: MedGen C0950123, MeSH D030342.

Allele frequency attached by ClinVar (database versions not stated): TOPMed 0.00013; ESP Exome Variant Server 0.00015.
gnomAD v4.1: 89 of 1,610,470 alleles (0.0055%); highest among the groups gnomAD compares: Admixed American, 0.025%; no homozygotes.

Submissions (4):

Labcorp Genetics (formerly Invitae), Labcorp
Classification: Uncertain significance. Last evaluated: 2025-11-22. Review status: criteria provided, single submitter. Criteria: Invitae Variant Classification Sherloc (09022015). Collection method: clinical testing. Allele origin: germline.
Comment: This sequence change replaces threonine, which is neutral and polar, with arginine, which is basic and polar, at codon 1541 of the LRP5 protein (p.Thr1541Arg). This variant is present in population databases (rs150862227, gnomAD 0.02%). This missense change has been observed in individual(s) with clinical features of LRP5-related conditions (internal data). ClinVar contains an entry for this variant (Variation ID: 946384). Invitae Evidence Modeling of protein sequence and biophysical properties (such as structural, functional, and spatial information, amino acid conservation, physicochemical variation, residue mobility, and thermodynamic stability) indicates that this missense variant is not expected to disrupt LRP5 protein function with a negative predictive value of 95%. In summary, the available evidence is currently insufficient to determine the role of this variant in disease. Therefore, it has been classified as a Variant of Uncertain Significance.

PreventionGenetics, part of Exact Sciences
Classification: Uncertain significance for LRP5-related condition. Last evaluated: 2025-09-03. Review status: criteria provided, single submitter. Criteria: ACMG Guidelines, 2015. Collection method: clinical testing. Allele origin: germline.
Comment: The LRP5 c.4622C>G variant is predicted to result in the amino acid substitution p.Thr1541Arg. To our knowledge, this variant has not been reported in the literature. This variant is reported in 0.020% of alleles in individuals of Latino descent in gnomAD. At this time, the clinical significance of this variant is uncertain due to the absence of conclusive functional and genetic evidence.

Ambry Genetics
Classification: Uncertain significance for Inborn genetic diseases. Last evaluated: 2024-11-09. Review status: criteria provided, single submitter. Criteria: Ambry Variant Classification Scheme 2023. Collection method: clinical testing. Allele origin: germline.

Blueprint Genetics
Classification: Uncertain significance. Last evaluated: 2024-03-11. Review status: criteria provided, single submitter. Criteria: ACMG Guidelines, 2015. Collection method: clinical testing. Allele origin: germline.

NM_002335.4(LRP5):c.4622C>G (p.Thr1541Arg)

Gene: LRP5 (LDL receptor related protein 5; plus strand). Cytogenetic location: 11q13.2.
Variant type: single nucleotide variant.
Coding change: c.4622C>G on transcript NM_002335.4 (MANE Select); coding-DNA position 4622, C replaced by G.
Protein change: p.Thr1541Arg; replaces threonine 1541 with arginine.
Molecular consequence: missense variant.
Genome position (GRCh38, 1-based): chr11:68,448,844, C>G. VCF-style: chr11-68448844-C-G. GRCh37 (hg19) VCF-style: chr11-68216312-C-G.
Other names: c.2879C>G, p.Thr960Arg (NM_001291902.2); c.4622C>G (NM_002335.2); short protein forms T1541R, T960R.
Identifiers: ClinVar variation 946384 (VCV000946384.12), dbSNP rs150862227, ClinGen allele CA6150469.